The following is an entry in ClinVar:

ClinVar aggregate classification (germline): Pathogenic (1 of 4 stars; one submission).

Conditions:
Hereditary cancer-predisposing syndrome. Also called: Neoplastic Syndromes, Hereditary; Tumor predisposition; Hereditary Cancer Syndrome; Hereditary neoplastic syndrome. Identifiers: Orphanet 140162, MedGen C0027672, MeSH D009386, MONDO:0015356.

Submission:

Ambry Genetics
Classification: Pathogenic for Hereditary cancer-predisposing syndrome. Last evaluated: 2020-07-09. Review status: criteria provided, single submitter. Criteria: Ambry Variant Classification Scheme 2023. Collection method: clinical testing. Allele origin: germline.
Comment: The c.1593delC pathogenic mutation, located in coding exon 4 of the MSH6 gene, results from a deletion of one nucleotide at nucleotide position 1593, causing a translational frameshift with a predicted alternate stop codon (p.S532Lfs*39). This alteration is expected to result in loss of function by premature protein truncation or nonsense-mediated mRNA decay. As such, this alteration is interpreted as a disease-causing mutation.

NM_000179.3(MSH6):c.1593del (p.Ser532fs)

Gene: MSH6 (mutS homolog 6; plus strand). Cytogenetic location: 2p16.3.
Variant type: Deletion.
Coding change: c.1593del on transcript NM_000179.3 (MANE Select); coding-DNA position 1593, one base deleted (C; older notation c.1593delC).
Protein change: p.Ser532fs; shifts the reading frame from serine 532.
Molecular consequence: frameshift variant.
Genome position (GRCh38, 1-based): chr2:47,799,576, C deleted; the last of 3 consecutive C bases (chr2:47,799,574-47,799,576); deleting any one gives the same sequence. VCF-style (leftmost placement, unchanged base first): chr2-47799573-TC-T. GRCh37 (hg19) VCF-style: chr2-48026712-TC-T.
Other names: c.1068delC, p.Ser357Leufs (NM_001406799.1, NM_001406806.1, NM_001406807.1); c.1593delC, p.Ser532Leufs (NM_001406800.1, NM_001406803.1, NM_001406796.1 and 4 more transcripts); c.1296delC, p.Ser433Leufs (NM_001406805.1, NM_001406801.1, NM_001406797.1 and 10 more transcripts); c.1515delC, p.Ser506Leufs (NM_001406804.1); c.1689delC, p.Ser564Leufs (NM_001406802.1, NM_001406795.1); c.1203del, p.Ser402fs (NM_001281492.2); c.687del, p.Ser230fs (NM_001281493.2, NM_001281494.2); c.687delC, p.Ser230Leufs (NM_001406811.1, NM_001406812.1, NM_001406814.1 and 4 more transcripts); and 2 more; short protein forms S402fs, S230fs, S532fs.
Identifiers: ClinVar variation 1775969 (VCV001775969.2), dbSNP rs2530618204, ClinGen allele CA2580067649.